The following is an entry in ClinVar:

ClinVar aggregate classification (germline): Uncertain significance (1 of 4 stars; one submission).

Submission:

Labcorp Genetics (formerly Invitae), Labcorp
Classification: Uncertain significance. Last evaluated: 2023-03-02. Review status: criteria provided, single submitter. Criteria: Invitae Variant Classification Sherloc (09022015). Collection method: clinical testing. Allele origin: germline.
Comment: This sequence change replaces asparagine, which is neutral and polar, with serine, which is neutral and polar, at codon 376 of the EMC1 protein (p.Asn376Ser). This variant is not present in population databases (gnomAD no frequency). This variant has not been reported in the literature in individuals affected with EMC1-related conditions. ClinVar contains an entry for this variant (Variation ID: 1499060). Advanced modeling of protein sequence and biophysical properties (such as structural, functional, and spatial information, amino acid conservation, physicochemical variation, residue mobility, and thermodynamic stability) performed at Invitae indicates that this missense variant is not expected to disrupt EMC1 protein function. In summary, the available evidence is currently insufficient to determine the role of this variant in disease. Therefore, it has been classified as a Variant of Uncertain Significance.

NM_015047.3(EMC1):c.1127A>G (p.Asn376Ser)

Genes: EMC1 (ER membrane protein complex subunit 1; minus strand), EMC1-AS1 (EMC1 antisense RNA 1; plus strand). Cytogenetic location: 1p36.13.
Variant type: single nucleotide variant.
Coding change: c.1127A>G on transcript NM_015047.3 (MANE Select); coding-DNA position 1127, A replaced by G.
Protein change: p.Asn376Ser; replaces asparagine 376 with serine.
Molecular consequence: missense variant.
Genome position (GRCh38, 1-based): chr1:19,238,102, T>C on the plus strand (A>G on the coding strand, the complement: EMC1 is on the minus strand). VCF-style: chr1-19238102-T-C. GRCh37 (hg19) VCF-style: chr1-19564596-T-C.
Other names: c.1124A>G, p.Asn375Ser (NM_001271427.2, NM_001375821.1); c.1127A>G, p.Asn376Ser (NM_001271428.2, NM_001375820.1); c.1061A>G, p.Asn354Ser (NM_001271429.2); short protein forms N375S, N376S, N354S.
Identifiers: ClinVar variation 1499060 (VCV001499060.8), dbSNP rs1558106688, ClinGen allele CA338766605.